The following is an entry in ClinVar:

ClinVar aggregate classification (germline): Uncertain significance (1 of 4 stars; one submission).

Conditions:
Cardiovascular phenotype. Identifiers: MedGen CN230736.

gnomAD v4.1: 3 of 1,614,136 alleles (0.00019%); highest among the groups gnomAD compares: Non-Finnish European, 0.00025%; no homozygotes.

Submission:

Ambry Genetics
Classification: Uncertain significance for Cardiovascular phenotype. Last evaluated: 2025-08-24. Review status: criteria provided, single submitter. Criteria: Ambry Variant Classification Scheme 2023. Collection method: clinical testing. Allele origin: germline.
Comment: The p.P1864L variant (also known as c.5591C>T), located in coding exon 14 of the ALPK3 gene, results from a C to T substitution at nucleotide position 5591. The proline at codon 1864 is replaced by leucine, an amino acid with similar properties. This amino acid position is conserved. In addition, this alteration is predicted to be tolerated by in silico analysis. Based on the available evidence, the clinical significance of this variant remains unclear.

NM_020778.5(ALPK3):c.4985C>T (p.Pro1662Leu)

Gene: ALPK3 (alpha kinase 3; plus strand). Cytogenetic location: 15q25.3.
Variant type: single nucleotide variant.
Coding change: c.4985C>T on transcript NM_020778.5 (MANE Select); coding-DNA position 4985, C replaced by T.
Protein change: p.Pro1662Leu; replaces proline 1662 with leucine.
Molecular consequence: missense variant.
Genome position (GRCh38, 1-based): chr15:84,868,323, C>T. VCF-style: chr15-84868323-C-T. GRCh37 (hg19) VCF-style: chr15-85411554-C-T.
Other names: short protein forms P1662L.
Identifiers: ClinVar variation 4089157 (VCV004089157.1).